The following is an entry in ClinVar:

ClinVar aggregate classification (germline): Pathogenic (1 of 4 stars; one submission).

Conditions:
Galactosylceramide beta-galactosidase deficiency. Also called: Leukodystrophy, Globoid Cell; Krabbe Disease; GALACTOCEREBROSIDASE DEFICIENCY; GALC DEFICIENCY; GLOBOID CELL LEUKOENCEPHALOPATHY. Identifiers: Orphanet 487, MedGen C0023521, MONDO:0009499, OMIM 245200.

Submission:

Labcorp Genetics (formerly Invitae), Labcorp
Classification: Pathogenic for Galactosylceramide beta-galactosidase deficiency. Last evaluated: 2023-08-04. Review status: criteria provided, single submitter. Criteria: Invitae Variant Classification Sherloc (09022015). Collection method: clinical testing. Allele origin: germline.
Comment: This sequence change creates a premature translational stop signal (p.Ser226Metfs*25) in the GALC gene. It is expected to result in an absent or disrupted protein product. Loss-of-function variants in GALC are known to be pathogenic (PMID: 7437911, 9272171, 16607461). This variant is not present in population databases (gnomAD no frequency). This variant has not been reported in the literature in individuals affected with GALC-related conditions. For these reasons, this variant has been classified as Pathogenic.

Literature cited by the submitters: PubMed 7437911; PubMed 9272171; PubMed 16607461.

NM_000153.4(GALC):c.677del (p.Ser226fs)

Gene: GALC (galactosylceramidase; minus strand). Cytogenetic location: 14q31.3.
Variant type: Deletion.
Coding change: c.677del on transcript NM_000153.4 (MANE Select); coding-DNA position 677, one base deleted (G; older notation c.677delG).
Protein change: p.Ser226fs; shifts the reading frame from serine 226.
Molecular consequence: frameshift variant. On other transcripts: non-coding transcript variant (1).
Genome position (GRCh38, 1-based): chr14:87,976,433, C deleted on the plus strand (G on the coding strand, the reverse complement: GALC is on the minus strand). VCF-style (leftmost placement, unchanged base first): chr14-87976432-AC-A. GRCh37 (hg19) VCF-style: chr14-88442776-AC-A.
Other names: c.44del, p.Ser15fs (NM_001424076.1, NM_001424077.1); c.608del, p.Ser203fs (NM_001201401.2); c.599del, p.Ser200fs (NM_001201402.2); c.509del, p.Ser170fs (NM_001424071.1, NM_001424072.1, NM_001424073.1); c.329del, p.Ser110fs (NM_001424074.1, NM_001424075.1); short protein forms S15fs, S110fs, S170fs, S200fs, S203fs, S226fs.
Identifiers: ClinVar variation 2749934 (VCV002749934.3), dbSNP rs2503477067, ClinGen allele CA2697554058.